The following is an entry in ClinVar:

ClinVar aggregate classification (germline): Pathogenic. Review status: criteria provided, multiple submitters, no conflicts (2 of 4 stars). 6 submissions from 6 submitters: Pathogenic (3). 3 of the submissions do not count toward it. Last evaluated 2025-03-17.

Conditions:
Bartter syndrome. Identifiers: Orphanet 112, MedGen C0004775, MONDO:0015231.
Bartter disease type 4A. Also called: BARTTER SYNDROME, TYPE 4A, NEONATAL, WITH SENSORINEURAL DEAFNESS; BARTTER SYNDROME, NEONATAL, WITH SENSORINEURAL DEAFNESS. Identifiers: Orphanet 112, MedGen C1865270, MONDO:0011242, OMIM 602522.

Allele frequency attached by ClinVar (database versions not stated): gnomAD exomes below 0.00001.

Submissions (6):

Natera, Inc.
Classification: Pathogenic for Bartter syndrome. Last evaluated: 2025-03-17. Review status: criteria provided, single submitter. Criteria: Natera Variant Classification Schema (03/2026). Collection method: clinical testing. Allele origin: germline.
Comment: The c.1A>T variant in BSND is predicted to result in start loss due to disruption of the initiator methionine. This variant is expected to result in nonsense mediated decay, truncation, or a dysfunctional protein product. This variant is rare in the general population with a frequency below the threshold expected for the associated phenotype(s). This variant has been observed in one or more individuals affected with the associated recessive disease, as either homozygous or compound heterozygous with a second variant (PMID: 11687798). Given the available evidence, this variant is classified as Pathogenic.

Labcorp Genetics (formerly Invitae), Labcorp
Classification: Pathogenic. Last evaluated: 2022-09-05. Review status: criteria provided, single submitter. Criteria: Invitae Variant Classification Sherloc (09022015). Collection method: clinical testing. Allele origin: germline.
Comment: This sequence change affects the initiator methionine of the BSND mRNA. The next in-frame methionine is located at codon 26. This variant is present in population databases (rs74315284, gnomAD 0.0009%). Disruption of the initiator codon has been observed in individuals with Bartter syndrome (PMID: 11687798, 16773427). This variant is also known as A1T. ClinVar contains an entry for this variant (Variation ID: 4380). This variant disrupts a region of the BSND protein in which other variant(s) (p.Ile12Thr) have been determined to be pathogenic (PMID: 19646679, 21541222). This suggests that this is a clinically significant region of the protein, and that variants that disrupt it are likely to be disease-causing. For these reasons, this variant has been classified as Pathogenic.

Centre of Medical Genetics, University Hospital Muenster
Classification: Pathogenic for Bartter disease type 4A. Last evaluated: 2022-01-24. Review status: criteria provided, single submitter. Criteria: ACMG Guidelines, 2015. Collection method: clinical testing. Allele origin: germline. Affected: yes. Observed: 1 variant allele, 1 homozygote.
Comment: ACMG categories: PVS1,PM2,PP5

OMIM
Classification: Pathogenic for BARTTER SYNDROME, TYPE 4A, WITH SENSORINEURAL DEAFNESS. Last evaluated: 2001-11-01. Review status: no assertion criteria provided. Collection method: literature only. Allele origin: germline. Not counted in ClinVar's aggregate classification.

Genome Diagnostics Laboratory, Amsterdam University Medical Center
Classification: Pathogenic. Review status: no assertion criteria provided. Collection method: clinical testing. Allele origin: germline. Affected: yes. Study: VKGL Data-share Consensus. Not counted in ClinVar's aggregate classification.

Joint Genome Diagnostic Labs from Nijmegen and Maastricht, Radboudumc and MUMC+
Classification: Pathogenic. Review status: no assertion criteria provided. Collection method: clinical testing. Allele origin: germline. Affected: yes. Study: VKGL Data-share Consensus. Not counted in ClinVar's aggregate classification.

Literature cited by the submitters: PubMed 11687798 (cited by 3 submitters); PubMed 16773427 (cited by Labcorp Genetics (formerly Invitae), Labcorp); PubMed 19646679 (cited by Labcorp Genetics (formerly Invitae), Labcorp); PubMed 21541222 (cited by Labcorp Genetics (formerly Invitae), Labcorp).

NM_057176.3(BSND):c.1A>T (p.Met1Leu)

Gene: BSND (barttin CLCNK type accessory subunit beta; plus strand). Cytogenetic location: 1p32.3.
Variant type: single nucleotide variant.
Coding change: c.1A>T on transcript NM_057176.3 (MANE Select); coding-DNA position 1, A replaced by T.
Protein change: p.Met1Leu; changes the start codon (methionine 1).
Molecular consequence: missense variant, initiator codon variant.
Genome position (GRCh38, 1-based): chr1:54,999,187, A>T. VCF-style: chr1-54999187-A-T. GRCh37 (hg19) VCF-style: chr1-55464860-A-T.
Other names: c.1A>T (NM_057176.2); short protein forms M1L.
Identifiers: ClinVar variation 4380 (VCV000004380.13), dbSNP rs74315284, ClinGen allele CA116804.